The following is an entry in ClinVar:

NM_031409.4(CCR6):c.1106C>T (p.Ala369Val)

Gene: CCR6 (C-C motif chemokine receptor 6; plus strand). Cytogenetic location: 6q27.
Variant type: single nucleotide variant.
Coding change: c.1106C>T on transcript NM_031409.4 (MANE Select); coding-DNA position 1106, C replaced by T.
Protein change: p.Ala369Val; replaces alanine 369 with valine.
Molecular consequence: missense variant.
Genome position (GRCh38, 1-based): chr6:167,137,336, C>T. VCF-style: chr6-167137336-C-T. GRCh37 (hg19) VCF-style: chr6-167550824-C-T.
Other names: c.1106C>T, p.Ala369Val (NM_001394582.1, NM_004367.6); short protein forms A369V.
Identifiers: ClinVar variation 709155 (VCV000709155.22), dbSNP rs17860852, ClinGen allele CA4095920.

ClinVar aggregate classification (germline): Benign/Likely benign. Review status: criteria provided, multiple submitters, no conflicts (2 of 4 stars). 2 submissions from 2 submitters: Benign (1); Likely benign (1). Last evaluated 2024-09-01.

Allele frequency attached by ClinVar (database versions not stated): 1000 Genomes Project 0.00180; 1000 Genomes Project 30x 0.00187; TOPMed 0.00457; ESP Exome Variant Server 0.00661.
gnomAD v4.1: 12,297 of 1,612,360 alleles (0.76%); highest among the groups gnomAD compares: Non-Finnish European, 0.92%; 64 homozygotes.

Submissions (2):

CeGaT Center for Human Genetics Tuebingen
Classification: Likely benign. Last evaluated: 2024-09-01. Review status: criteria provided, single submitter. Criteria: CeGaT Center For Human Genetics Tuebingen Variant Classification Criteria Version 2. Collection method: clinical testing. Allele origin: germline. Affected: yes. Observed: 2 variant alleles.
Comment: CCR6: BP4, BS2

Labcorp Genetics (formerly Invitae), Labcorp
Classification: Benign. Last evaluated: 2018-07-02. Review status: criteria provided, single submitter. Criteria: Invitae Variant Classification Sherloc (09022015). Collection method: clinical testing. Allele origin: germline.